The following is an entry in ClinVar:

NM_001080770.2(KIR2DL4):c.306G>A (p.Pro102=)

Gene: KIR2DL4 (killer cell immunoglobulin like receptor, two Ig domains and long cytoplasmic tail 4). Cytogenetic location: 19q13.42.
Variant type: single nucleotide variant.
Coding change: c.306G>A on transcript NM_001080770.2 (MANE Select); coding-DNA position 306, G replaced by A.
Protein change: p.Pro102=; no amino-acid change (proline 102 retained).
Molecular consequence: synonymous variant.
Genome position (GRCh38, 1-based): chr19:54,805,022, G>A. VCF-style: chr19-54805022-G-A. GRCh37 (hg19) VCF-style: chr19-55316477-G-A.
Other names: c.306G>A, p.Pro102= (NM_001080772.2).
Identifiers: ClinVar variation 2650471 (VCV002650471.24), dbSNP rs577410556, ClinGen allele CA309906819.

ClinVar aggregate classification (germline): Likely benign (1 of 4 stars; one submission).

Allele frequency attached by ClinVar (database versions not stated): ExAC 0.00015; 1000 Genomes Project 30x 0.00031; 1000 Genomes Project 0.00040.

Submission:

CeGaT Center for Human Genetics Tuebingen
Classification: Likely benign. Last evaluated: 2025-03-01. Review status: criteria provided, single submitter. Criteria: CeGaT Center For Human Genetics Tuebingen Variant Classification Criteria Version 2. Collection method: clinical testing. Allele origin: germline. Affected: yes. Observed: 2 variant alleles.
Comment: KIR2DL4: BP4, BP7